The following is an entry in ClinVar:

ClinVar aggregate classification (germline): Pathogenic (1 of 4 stars; one submission).

Conditions:
Inborn genetic diseases. Identifiers: MedGen C0950123, MeSH D030342.

Submission:

Ambry Genetics
Classification: Pathogenic for Inborn genetic diseases. Last evaluated: 2023-09-08. Review status: criteria provided, single submitter. Criteria: Ambry Variant Classification Scheme 2023. Collection method: clinical testing. Allele origin: germline.
Comment: The c.1547_1552delATCTTA (p.N516_L517del) alteration, located in exon 18 (coding exon 13) of the FOXP1 gene, results from an in-frame deletion of 6 nucleotides at nucleotide positions c.1547 to c.1552. This results in the deletion of 2 amino acids at codons 516 and 517. This variant was not reported in population-based cohorts in the Genome Aggregation Database (gnomAD). There is pathogenic missense alteration located in this deleted region (Ambry internal data). This amino acid region is highly conserved in available vertebrate species. This alteration is predicted to be deleterious by in silico analysis (Choi, 2012). Based on the available evidence, this alteration is classified as pathogenic.

NM_001349338.3(FOXP1):c.1547_1552del (p.Asn516_Leu517del)

Gene: FOXP1 (forkhead box P1; minus strand). Cytogenetic location: 3p13.
Variant type: Deletion.
Coding change: c.1547_1552del on transcript NM_001349338.3 (MANE Select); coding-DNA positions 1547 to 1552, 6 bases deleted (ATCTTA; older notation c.1547_1552delATCTTA).
Protein change: p.Asn516_Leu517del.
Molecular consequence: inframe deletion. On other transcripts: inframe indel (1), non-coding transcript variant (2), intron variant (1).
Genome position (GRCh38, 1-based): chr3:70,972,655-70,972,660, TAAGAT deleted on the plus strand (ATCTTA on the coding strand, the reverse complement: FOXP1 is on the minus strand); deleting any 6 consecutive bases within chr3:70,972,655-70,972,662 gives the same sequence; the c. name uses the placement nearest the transcript's 3' end. VCF-style (leftmost placement, unchanged base first): chr3-70972654-CTAAGAT-C. GRCh37 (hg19) VCF-style: chr3-71021805-CTAAGAT-C.
Other names: c.1544_1549del, p.Asn515_Leu516del (NM_001244808.3, NM_001349341.3); c.1319_1324del, p.Asn440_Leu441del (NM_001244812.3); c.1247_1252del, p.Asn416_Leu417del (NM_001244813.3, NM_001244815.2, NM_001349342.3); c.1547_1552del, p.Asn516_Leu517del (NM_001244814.3, NM_001244816.2, NM_001349340.3 and 1 more transcripts); c.1244_1249del, p.Asn415_Leu416del (NM_001349337.2, NM_001349343.3, NM_001349344.3 and 1 more transcripts); c.1545_1550delTAATCT, p.Asn516_Leu517del (NM_001349339.1); c.1531-480_1531-475del (NM_001244810.2).
Identifiers: ClinVar variation 2617092 (VCV002617092.2), dbSNP rs2545050080, ClinGen allele CA2582342869.